The following is an entry in ClinVar:

ClinVar aggregate classification (germline): Uncertain significance (1 of 4 stars; one submission).

Conditions:
Inborn genetic diseases. Identifiers: MedGen C0950123, MeSH D030342.

Submission:

Ambry Genetics
Classification: Uncertain significance for Inborn genetic diseases. Last evaluated: 2025-06-18. Review status: criteria provided, single submitter. Criteria: Ambry Variant Classification Scheme 2023. Collection method: clinical testing. Allele origin: germline.
Comment: The p.V144I variant (also known as c.430G>A), located in coding exon 3 of the ANKRD26 gene, results from a G to A substitution at nucleotide position 430. The valine at codon 144 is replaced by isoleucine, an amino acid with highly similar properties. This amino acid position is conserved. In addition, this alteration is predicted to be tolerated by in silico analysis. Based on the available evidence, the clinical significance of this variant remains unclear.

NM_014915.3(ANKRD26):c.430G>A (p.Val144Ile)

Gene: ANKRD26 (ankyrin repeat domain containing 26; minus strand). Cytogenetic location: 10p12.1.
Variant type: single nucleotide variant.
Coding change: c.430G>A on transcript NM_014915.3 (MANE Select); coding-DNA position 430, G replaced by A.
Protein change: p.Val144Ile; replaces valine 144 with isoleucine.
Molecular consequence: missense variant.
Genome position (GRCh38, 1-based): chr10:27,093,450, C>T on the plus strand (G>A on the coding strand, the complement: ANKRD26 is on the minus strand). VCF-style: chr10-27093450-C-T. GRCh37 (hg19) VCF-style: chr10-27382379-C-T.
Other names: c.430G>A, p.Val144Ile (NM_001256053.2); short protein forms V144I.
Identifiers: ClinVar variation 4102770 (VCV004102770.1).
Genomic context (GRCh38, chr10:27,093,450, plus strand): 5'-TTGTTGCTACTGATATGTCCTCATTATAGACAGCATAGTGAAGAGCAGTGTTGCCATGGA[C>T]ATCCGCAAGATTTGGATCAGCACCATGTTCTAGCAGAATAGTTGCACATTTCTCTTCCTG-3'
Protein context (NP_055730.2, residues 134-154): EHGADPNLAD[Val144Ile]HGNTALHYAV